The following is an entry in ClinVar:

ClinVar aggregate classification (germline): Uncertain significance (1 of 4 stars; one submission).

Submission:

Labcorp Genetics (formerly Invitae), Labcorp
Classification: Uncertain significance. Last evaluated: 2025-02-20. Review status: criteria provided, single submitter. Criteria: Invitae Variant Classification Sherloc (09022015). Collection method: clinical testing. Allele origin: germline.
Comment: This sequence change replaces alanine, which is neutral and non-polar, with threonine, which is neutral and polar, at codon 132 of the SAMD9 protein (p.Ala132Thr). This variant is not present in population databases (gnomAD no frequency). This variant has not been reported in the literature in individuals affected with SAMD9-related conditions. Invitae Evidence Modeling of protein sequence and biophysical properties (such as structural, functional, and spatial information, amino acid conservation, physicochemical variation, residue mobility, and thermodynamic stability) indicates that this missense variant is not expected to disrupt SAMD9 protein function with a negative predictive value of 95%. In summary, the available evidence is currently insufficient to determine the role of this variant in disease. Therefore, it has been classified as a Variant of Uncertain Significance.

NM_017654.4(SAMD9):c.394G>A (p.Ala132Thr)

Gene: SAMD9 (sterile alpha motif domain containing 9; minus strand). Cytogenetic location: 7q21.2.
Variant type: single nucleotide variant.
Coding change: c.394G>A on transcript NM_017654.4 (MANE Select); coding-DNA position 394, G replaced by A.
Protein change: p.Ala132Thr; replaces alanine 132 with threonine.
Molecular consequence: missense variant.
Genome position (GRCh38, 1-based): chr7:93,105,704, C>T on the plus strand (G>A on the coding strand, the complement: SAMD9 is on the minus strand). VCF-style: chr7-93105704-C-T. GRCh37 (hg19) VCF-style: chr7-92735017-C-T.
Other names: c.394G>A, p.Ala132Thr (NM_001193307.2); short protein forms A132T.
Identifiers: ClinVar variation 4802488 (VCV004802488.1).